The following is an entry in ClinVar:

NM_001148.6(ANK2):c.10470T>G (p.Asp3490Glu)

Gene: ANK2 (ankyrin 2; plus strand). Cytogenetic location: 4q26.
Variant type: single nucleotide variant.
Coding change: c.10470T>G on transcript NM_001148.6 (MANE Select); coding-DNA position 10470, T replaced by G.
Protein change: p.Asp3490Glu; replaces aspartic acid 3490 with glutamic acid.
Molecular consequence: missense variant. On other transcripts: intron variant (68).
Genome position (GRCh38, 1-based): chr4:113,359,088, T>G. VCF-style: chr4-113359088-T-G. GRCh37 (hg19) VCF-style: chr4-114280244-T-G.
Other names: c.10236T>G, p.Asp3412Glu (NM_001386142.1); c.6870T>G, p.Asp2290Glu (NM_001386166.1); c.10611T>G, p.Asp3537Glu (NM_001386174.1); c.10587T>G, p.Asp3529Glu (NM_001386175.1); c.4412-1735T>G (NM_001386186.2, NM_001386148.2); c.4214-1735T>G (NM_001354269.3); c.4292-1735T>G (NM_001386187.2); c.4253-1735T>G (NM_001386147.1); and 35 more; short protein forms D3529E, D2290E, D3412E, D3537E, D3490E.
Identifiers: ClinVar variation 1397474 (VCV001397474.8), dbSNP rs2154031241, ClinGen allele CA357940491.

ClinVar aggregate classification (germline): Uncertain significance (1 of 4 stars; one submission).

Conditions:
Long QT syndrome (LQTS). Identifiers: MedGen C0023976, MeSH D008133, MONDO:0002442. Disease mechanism: loss of function. Inheritance: Various modes of inheritance.

Submission:

Labcorp Genetics (formerly Invitae), Labcorp
Classification: Uncertain significance for Long QT syndrome. Last evaluated: 2020-12-15. Review status: criteria provided, single submitter. Criteria: Invitae Variant Classification Sherloc (09022015). Collection method: clinical testing. Allele origin: germline.
Comment: In summary, the available evidence is currently insufficient to determine the role of this variant in disease. Therefore, it has been classified as a Variant of Uncertain Significance. This sequence change replaces aspartic acid with glutamic acid at codon 3490 of the ANK2 protein (p.Asp3490Glu). The aspartic acid residue is weakly conserved and there is a small physicochemical difference between aspartic acid and glutamic acid. This variant is not present in population databases (ExAC no frequency). This variant has not been reported in the literature in individuals with ANK2-related conditions. Algorithms developed to predict the effect of missense changes on protein structure and function are either unavailable or do not agree on the potential impact of this missense change (SIFT: "Tolerated"; PolyPhen-2: "Probably Damaging"; Align-GVGD: "Class C0").